The following is an entry in ClinVar:

NM_001291303.3(FAT4):c.13999A>G (p.Met4667Val)

Gene: FAT4 (FAT atypical cadherin 4; plus strand). Cytogenetic location: 4q28.1.
Variant type: single nucleotide variant.
Coding change: c.13999A>G on transcript NM_001291303.3 (MANE Select); coding-DNA position 13999, A replaced by G.
Protein change: p.Met4667Val; replaces methionine 4667 with valine.
Molecular consequence: missense variant.
Genome position (GRCh38, 1-based): chr4:125,490,815, A>G. VCF-style: chr4-125490815-A-G. GRCh37 (hg19) VCF-style: chr4-126411970-A-G.
Other names: c.13996A>G, p.Met4666Val (NM_001291285.3); c.13993A>G, p.Met4665Val (NM_024582.6); short protein forms M4667V, M4665V, M4666V.
Identifiers: ClinVar variation 2087071 (VCV002087071.4), dbSNP rs1324993815, ClinGen allele CA358140300.
Genomic context (GRCh38, chr4:125,490,815, plus strand): 5'-CACACACCAAAATTTTCAATCCAGAGGCACAGTCCCCTAGGCTTTGCAAGGCAATCCCCC[A>G]TGCCCTTAGGAGCAAGCAGTTTGACTTACCAGCCTTCATATGGTCAAGGTTTGAGAACCA-3'
Protein context (NP_001278232.1, residues 4657-4677): SPLGFARQSP[Met4667Val]PLGASSLTYQ

ClinVar aggregate classification (germline): Uncertain significance (1 of 4 stars; one submission).

Allele frequency attached by ClinVar (database versions not stated): gnomAD 0.00001; gnomAD exomes 0.00001; TOPMed 0.00001.
gnomAD v4.1: 7 of 1,613,974 alleles (0.00043%); highest among the groups gnomAD compares: Non-Finnish European, 0.00051%; no homozygotes.

Submission:

Labcorp Genetics (formerly Invitae), Labcorp
Classification: Uncertain significance. Last evaluated: 2022-08-23. Review status: criteria provided, single submitter. Criteria: Invitae Variant Classification Sherloc (09022015). Collection method: clinical testing. Allele origin: germline.
Comment: This sequence change replaces methionine, which is neutral and non-polar, with valine, which is neutral and non-polar, at codon 4665 of the FAT4 protein (p.Met4665Val). In summary, the available evidence is currently insufficient to determine the role of this variant in disease. Therefore, it has been classified as a Variant of Uncertain Significance. Advanced modeling of protein sequence and biophysical properties (such as structural, functional, and spatial information, amino acid conservation, physicochemical variation, residue mobility, and thermodynamic stability) performed at Invitae indicates that this missense variant is not expected to disrupt FAT4 protein function. This variant has not been reported in the literature in individuals affected with FAT4-related conditions. This variant is present in population databases (no rsID available, gnomAD 0.0009%).